The following is an entry in ClinVar:

ClinVar aggregate classification (germline): Uncertain significance (1 of 4 stars; one submission).

Conditions:
Ullrich congenital muscular dystrophy 2 (UCMD2). Identifiers: Orphanet 75840, MedGen C4225314, MONDO:0014654, OMIM 616470.
Bethlem myopathy 2 (BTHLM2). Identifiers: Orphanet 536516, Orphanet 610, MedGen C4225313, MONDO:0034022, OMIM 616471.

Allele frequency attached by ClinVar (database versions not stated): gnomAD exomes below 0.00001.
gnomAD v4.1: 1 of 1,614,108 alleles (0.000062%); highest among the groups gnomAD compares: South Asian, 0.0011%; no homozygotes.

Submission:

Labcorp Genetics (formerly Invitae), Labcorp
Classification: Uncertain significance for Bethlem myopathy 2; Ullrich congenital muscular dystrophy 2. Last evaluated: 2022-08-23. Review status: criteria provided, single submitter. Criteria: Invitae Variant Classification Sherloc (09022015). Collection method: clinical testing. Allele origin: germline.
Comment: This sequence change replaces lysine, which is basic and polar, with glutamic acid, which is acidic and polar, at codon 426 of the COL12A1 protein (p.Lys426Glu). This variant is not present in population databases (gnomAD no frequency). This variant has not been reported in the literature in individuals affected with COL12A1-related conditions. ClinVar contains an entry for this variant (Variation ID: 579345). Algorithms developed to predict the effect of missense changes on protein structure and function are either unavailable or do not agree on the potential impact of this missense change (SIFT: "Deleterious"; PolyPhen-2: "Benign"; Align-GVGD: "Class C0"). In summary, the available evidence is currently insufficient to determine the role of this variant in disease. Therefore, it has been classified as a Variant of Uncertain Significance.

NM_004370.6(COL12A1):c.1276A>G (p.Lys426Glu)

Gene: COL12A1 (collagen type XII alpha 1 chain; minus strand). Cytogenetic location: 6q13.
Variant type: single nucleotide variant.
Coding change: c.1276A>G on transcript NM_004370.6 (MANE Select); coding-DNA position 1276, A replaced by G.
Protein change: p.Lys426Glu; replaces lysine 426 with glutamic acid.
Molecular consequence: missense variant. On other transcripts: intron variant (1).
Genome position (GRCh38, 1-based): chr6:75,183,866, T>C on the plus strand (A>G on the coding strand, the complement: COL12A1 is on the minus strand). VCF-style: chr6-75183866-T-C. GRCh37 (hg19) VCF-style: chr6-75893582-T-C.
Other names: c.73+18854A>G (NM_080645.3); short protein forms K426E.
Identifiers: ClinVar variation 579345 (VCV000579345.9), dbSNP rs1562297194, ClinGen allele CA364772203.